The following is an entry in ClinVar:

ClinVar aggregate classification (germline): Pathogenic (1 of 4 stars; one submission).

Submission:

Labcorp Genetics (formerly Invitae), Labcorp
Classification: Pathogenic. Last evaluated: 2023-12-03. Review status: criteria provided, single submitter. Criteria: Invitae Variant Classification Sherloc (09022015). Collection method: clinical testing. Allele origin: germline.
Comment: This sequence change creates a premature translational stop signal (p.Val168Argfs*32) in the AQP2 gene. While this is not anticipated to result in nonsense mediated decay, it is expected to disrupt the last 104 amino acid(s) of the AQP2 protein. This variant is not present in population databases (gnomAD no frequency). This premature translational stop signal has been observed in individual(s) with autosomal recessive nephrogenic diabetes insipidus (PMID: 26064258). In at least one individual the data is consistent with being in trans (on the opposite chromosome) from a pathogenic variant. This variant is also known as c.501_502insC, p.Val168Argfs×30. This variant disrupts a region of the AQP2 protein in which other variant(s) (p.Pro262Leu) have been determined to be pathogenic (PMID: 9550615, 15509592, 18431594, 22778181, 27641679). This suggests that this is a clinically significant region of the protein, and that variants that disrupt it are likely to be disease-causing. For these reasons, this variant has been classified as Pathogenic.

Literature cited by the submitters: PubMed 26064258; PubMed 9550615; PubMed 15509592; PubMed 18431594; PubMed 22778181; PubMed 27641679.

NM_000486.6(AQP2):c.500dup (p.Val168fs)

Genes: AQP2 (aquaporin 2; plus strand), AQP5-AS1 (AQP5 and AQP2 antisense RNA 2; minus strand). Cytogenetic location: 12q13.12.
Variant type: Duplication.
Coding change: c.500dup on transcript NM_000486.6 (MANE Select); coding-DNA position 500, one base duplicated (C; older notation c.500dupC).
Protein change: p.Val168fs; shifts the reading frame from valine 168.
Molecular consequence: frameshift variant. On other transcripts: non-coding transcript variant (1).
Genome position (GRCh38, 1-based): chr12:49,954,294, C duplicated. VCF-style (leftmost placement, unchanged base first): chr12-49954293-T-TC. GRCh37 (hg19) VCF-style: chr12-50348076-T-TC.
Other names: short protein forms V168fs.
Identifiers: ClinVar variation 2700622 (VCV002700622.3), dbSNP rs2547998190, ClinGen allele CA2697559271.
Genomic context (GRCh38, chr12:49,954,293, plus strand): 5'-GCCTCCACCGATGAGCGCCGCGGAGAGAACCCGGGCACCCCTGCTCTCTCCATAGGCTTC[T>TC]CTGTGGCCCTGGGCCACCTCCTTGGGGTAGGTCATGGCCATGGGTTCCAGCCTCCCTGGA-3'